The following is an entry in ClinVar:

ClinVar aggregate classification (germline): Uncertain significance. Review status: criteria provided, multiple submitters, no conflicts (2 of 4 stars). 5 submissions from 5 submitters: Uncertain significance (5). Last evaluated 2026-08-27.

Conditions:
TTN-related disorder. Also called: TTN-related disorders; TTN-related condition; TTN-related disease.
Autosomal recessive limb-girdle muscular dystrophy type 2J (LGMDR10). Also called: Limb-girdle muscular dystrophy, type 2J; MUSCULAR DYSTROPHY, LIMB-GIRDLE, AUTOSOMAL RECESSIVE 10. Identifiers: Orphanet 140922, MedGen C1837342, MONDO:0012127, OMIM 608807.
Dilated cardiomyopathy 1G (CMD1G). Identifiers: Orphanet 154, MedGen C1858763, MONDO:0011400, OMIM 604145.

Allele frequency attached by ClinVar (database versions not stated): gnomAD exomes 0.00001 and 0.00002; ExAC 0.00002; gnomAD 0.00007; TOPMed 0.00009; 1000 Genomes Project 0.00020; 1000 Genomes Project 30x 0.00031.
gnomAD v4.1: 37 of 1,613,854 alleles (0.0023%); highest among the groups gnomAD compares: African/African-American, 0.012%; no homozygotes.

Submissions (5):

PreventionGenetics, part of Exact Sciences
Classification: Uncertain significance for TTN-related condition. Last evaluated: 2026-08-27. Review status: criteria provided, single submitter. Criteria: ACMG Guidelines, 2015. Collection method: clinical testing. Allele origin: germline.
Comment: The TTN c.2743C>T variant is predicted to result in the amino acid substitution p.Arg915Cys. To our knowledge, this variant has not been reported in the literature. This variant is reported in 0.016% of alleles in individuals of African descent in gnomAD. At this time, the clinical significance of this variant is uncertain due to the absence of conclusive functional and genetic evidence.

Mayo Clinic Laboratories, Mayo Clinic
Classification: Uncertain significance. Last evaluated: 2024-08-14. Review status: criteria provided, single submitter. Criteria: ACMG Guidelines, 2015. Collection method: clinical testing. Allele origin: germline. Observed: 2 variant alleles.
Comment: BP4

CeGaT Center for Human Genetics Tuebingen
Classification: Uncertain significance. Last evaluated: 2023-01-01. Review status: criteria provided, single submitter. Criteria: CeGaT Center For Human Genetics Tuebingen Variant Classification Criteria Version 2. Collection method: clinical testing. Allele origin: germline. Affected: yes. Observed: 1 variant allele.
Comment: TTN: PM2, BP4

Labcorp Genetics (formerly Invitae), Labcorp
Classification: Uncertain significance for Dilated cardiomyopathy 1G; Autosomal recessive limb-girdle muscular dystrophy type 2J. Last evaluated: 2017-12-22. Review status: criteria provided, single submitter. Criteria: Invitae Variant Classification Sherloc (09022015). Collection method: clinical testing. Allele origin: germline.

Eurofins Ntd Llc (ga)
Classification: Uncertain significance. Last evaluated: 2015-09-16. Review status: criteria provided, single submitter. Criteria: EGL Classification Definitions 2015. Collection method: clinical testing. Allele origin: germline. Observed: 2 variant alleles, 2 heterozygotes.

NM_001267550.2(TTN):c.2743C>T (p.Arg915Cys)

Gene: TTN (titin; minus strand). Cytogenetic location: 2q31.2.
Variant type: single nucleotide variant.
Coding change: c.2743C>T on transcript NM_001267550.2 (MANE Select); coding-DNA position 2743, C replaced by T.
Protein change: p.Arg915Cys; replaces arginine 915 with cysteine.
Molecular consequence: missense variant.
Genome position (GRCh38, 1-based): chr2:178,784,102, G>A on the plus strand (C>T on the coding strand, the complement: TTN is on the minus strand). VCF-style: chr2-178784102-G-A. GRCh37 (hg19) VCF-style: chr2-179648829-G-A.
Other names: p.Arg915Cys; c.2743C>T, p.Arg915Cys (NM_001256850.1, NM_133378.4, NM_133379.5); c.2605C>T, p.Arg869Cys (NM_003319.4, NM_133432.3, NM_133437.4); short protein forms R915C, R869C.
Identifiers: ClinVar variation 282631 (VCV000282631.45), dbSNP rs539652641, ClinGen allele CA2005748.